The following is an entry in ClinVar:

NM_015338.6(ASXL1):c.4351T>C (p.Ser1451Pro)

Gene: ASXL1 (ASXL transcriptional regulator 1; plus strand). Cytogenetic location: 20q11.21.
Variant type: single nucleotide variant.
Coding change: c.4351T>C on transcript NM_015338.6 (MANE Select); coding-DNA position 4351, T replaced by C.
Protein change: p.Ser1451Pro; replaces serine 1451 with proline.
Molecular consequence: missense variant.
Genome position (GRCh38, 1-based): chr20:32,437,063, T>C. VCF-style: chr20-32437063-T-C. GRCh37 (hg19) VCF-style: chr20-31024866-T-C.
Other names: c.4168T>C, p.Ser1390Pro (NM_001363734.1); short protein forms S1451P, S1390P.
Identifiers: ClinVar variation 4825245 (VCV004825245.1).

ClinVar aggregate classification (germline): Uncertain significance (1 of 4 stars; one submission).

Conditions:
Inborn genetic diseases. Identifiers: MedGen C0950123, MeSH D030342.

Submission:

Ambry Genetics
Classification: Uncertain significance for Inborn genetic diseases. Last evaluated: 2026-02-22. Review status: criteria provided, single submitter. Criteria: Ambry Variant Classification Scheme 2023. Collection method: clinical testing. Allele origin: germline.
Comment: The p.S1451P variant (also known as c.4351T>C), located in coding exon 13 of the ASXL1 gene, results from a T to C substitution at nucleotide position 4351. The serine at codon 1451 is replaced by proline, an amino acid with similar properties. This amino acid position is conserved. In addition, this alteration is predicted to be tolerated by in silico analysis. Based on the available evidence, the clinical significance of this variant remains unclear.